The following is an entry in ClinVar:

NM_001114753.3(ENG):c.130T>G (p.Tyr44Asp)

Gene: ENG (endoglin; minus strand). Cytogenetic location: 9q34.11.
Variant type: single nucleotide variant.
Coding change: c.130T>G on transcript NM_001114753.3 (MANE Select); coding-DNA position 130, T replaced by G.
Protein change: p.Tyr44Asp; replaces tyrosine 44 with aspartic acid.
Molecular consequence: missense variant. On other transcripts: 5 prime UTR variant (1).
Genome position (GRCh38, 1-based): chr9:127,843,183, A>C on the plus strand (T>G on the coding strand, the complement: ENG is on the minus strand). VCF-style: chr9-127843183-A-C. GRCh37 (hg19) VCF-style: chr9-130605462-A-C.
Other names: c.130T>G, p.Tyr44Asp (NM_000118.4, NM_001406715.1); c.-417T>G (NM_001278138.2); short protein forms Y44D.
Identifiers: ClinVar variation 528049 (VCV000528049.12), dbSNP rs1554812271, ClinGen allele CA374989088.

ClinVar aggregate classification (germline): Uncertain significance (1 of 4 stars; one submission).

Conditions:
Hereditary hemorrhagic telangiectasia (HHT). Also called: Osler hemorrhagic telangiectasia syndrome; ORW DISEASE; Osler Weber Rendu syndrome; OSLER-RENDU-WEBER DISEASE. Identifiers: Orphanet 774, MedGen C0039445, MONDO:0019180. Disease mechanism: loss of function.

Submission:

Labcorp Genetics (formerly Invitae), Labcorp
Classification: Uncertain significance for Hereditary hemorrhagic telangiectasia. Last evaluated: 2019-06-17. Review status: criteria provided, single submitter. Criteria: Invitae Variant Classification Sherloc (09022015). Collection method: clinical testing. Allele origin: germline.
Comment: This sequence change replaces tyrosine with aspartic acid at codon 44 of the ENG protein (p.Tyr44Asp). The tyrosine residue is moderately conserved and there is a large physicochemical difference between tyrosine and aspartic acid. This variant is not present in population databases (ExAC no frequency). This variant has not been reported in the literature in individuals with ENG-related disease. Algorithms developed to predict the effect of missense changes on protein structure and function do not agree on the potential impact of this missense change (SIFT: "Deleterious"; PolyPhen-2: "Probably Damaging"; Align-GVGD: "Class C0"). In summary, the available evidence is currently insufficient to determine the role of this variant in disease. Therefore, it has been classified as a Variant of Uncertain Significance.